The following is an entry in ClinVar:

NM_025137.4(SPG11):c.3851G>A (p.Arg1284Lys)

Gene: SPG11 (SPG11 vesicle trafficking associated, spatacsin; minus strand). Cytogenetic location: 15q21.1.
Variant type: single nucleotide variant.
Coding change: c.3851G>A on transcript NM_025137.4 (MANE Select); coding-DNA position 3851, G replaced by A.
Protein change: p.Arg1284Lys; replaces arginine 1284 with lysine.
Molecular consequence: missense variant.
Genome position (GRCh38, 1-based): chr15:44,598,672, C>T on the plus strand (G>A on the coding strand, the complement: SPG11 is on the minus strand). VCF-style: chr15-44598672-C-T. GRCh37 (hg19) VCF-style: chr15-44890870-C-T.
Other names: c.3851G>A, p.Arg1284Lys (NM_001160227.2); short protein forms R1284K.
Identifiers: ClinVar variation 534831 (VCV000534831.6), dbSNP rs748208459, ClinGen allele CA7534844.

ClinVar aggregate classification (germline): Uncertain significance (1 of 4 stars; one submission).

Conditions:
Hereditary spastic paraplegia 11. Also called: Nakamura Osame syndrome; Autosomal recessive hereditary spastic paraplegia, mental impairment, and thin corpus callosum; Spastic paraplegia, mental retardation and thin corpus callosum; SPASTIC PARAPLEGIA, AUTOSOMAL RECESSIVE, COMPLICATED, WITH THIN CORPUS CALLOSUM; SPASTIC PARAPLEGIA, AUTOSOMAL RECESSIVE, WITH MENTAL IMPAIRMENT AND THIN CORPUS CALLOSUM; Spastic Paraplegia 11. Identifiers: Orphanet 2822, MedGen C1858479, MONDO:0011445, OMIM 604360.

Allele frequency attached by ClinVar (database versions not stated): gnomAD exomes below 0.00001 and 0.00001; TOPMed below 0.00001; ExAC 0.00001; gnomAD 0.00001.
gnomAD v4.1: 2 of 1,614,102 alleles (0.00012%); highest among the groups gnomAD compares: Non-Finnish European, 0.00017%; no homozygotes.

Submission:

Labcorp Genetics (formerly Invitae), Labcorp
Classification: Uncertain significance for Hereditary spastic paraplegia 11. Last evaluated: 2022-10-27. Review status: criteria provided, single submitter. Criteria: Invitae Variant Classification Sherloc (09022015). Collection method: clinical testing. Allele origin: germline.
Comment: This sequence change replaces arginine, which is basic and polar, with lysine, which is basic and polar, at codon 1284 of the SPG11 protein (p.Arg1284Lys). This variant is present in population databases (rs748208459, gnomAD 0.002%). This variant has not been reported in the literature in individuals affected with SPG11-related conditions. ClinVar contains an entry for this variant (Variation ID: 534831). Advanced modeling of protein sequence and biophysical properties (such as structural, functional, and spatial information, amino acid conservation, physicochemical variation, residue mobility, and thermodynamic stability) performed at Invitae indicates that this missense variant is not expected to disrupt SPG11 protein function. In summary, the available evidence is currently insufficient to determine the role of this variant in disease. Therefore, it has been classified as a Variant of Uncertain Significance.